The following is an entry in ClinVar:

NM_173500.4(TTBK2):c.3484C>T (p.Arg1162Cys)

Gene: TTBK2 (tau tubulin kinase 2; minus strand). Cytogenetic location: 15q15.2.
Variant type: single nucleotide variant.
Coding change: c.3484C>T on transcript NM_173500.4 (MANE Select); coding-DNA position 3484, C replaced by T.
Protein change: p.Arg1162Cys; replaces arginine 1162 with cysteine.
Molecular consequence: missense variant.
Genome position (GRCh38, 1-based): chr15:42,746,046, G>A on the plus strand (C>T on the coding strand, the complement: TTBK2 is on the minus strand). VCF-style: chr15-42746046-G-A. GRCh37 (hg19) VCF-style: chr15-43038244-G-A.
Other names: short protein forms R1162C.
Identifiers: ClinVar variation 886271 (VCV000886271.13), dbSNP rs200437800, ClinGen allele CA7516567.
Genomic context (GRCh38, chr15:42,746,046, plus strand): 5'-ACGAACTCCTCTGGTCATGGTGGGGCCGTCCAGCCCTAGATGGTGAGGAACTAGACGTGC[G>A]AGGCAAGGATGAGCTTCGAGGAGAGGCACTGGGACTCCTGCGAGGGACAACTGGACTCTT-3'
Protein context (NP_775771.3, residues 1152-1172): SASPRSSSLP[Arg1162Cys]TSSSSPSRAG

ClinVar aggregate classification (germline): Uncertain significance. Review status: criteria provided, multiple submitters, no conflicts (2 of 4 stars). 5 submissions from 5 submitters: Uncertain significance (5). Last evaluated 2025-09-24.

Conditions:
Inborn genetic diseases. Identifiers: MedGen C0950123, MeSH D030342.
Spinocerebellar ataxia type 11 (SCA11). Identifiers: Orphanet 98767, MedGen C1858351, MONDO:0011464, OMIM 604432.
TTBK2-related disorder. Also called: TTBK2-related condition.

Allele frequency attached by ClinVar (database versions not stated): ExAC 0.00003; gnomAD exomes 0.00003 and 0.00008; gnomAD 0.00005 and 0.00006; TOPMed 0.00008; 1000 Genomes Project 30x 0.00016; 1000 Genomes Project 0.00020.
gnomAD v4.1: 126 of 1,614,124 alleles (0.0078%); highest among the groups gnomAD compares: Non-Finnish European, 0.01%; no homozygotes.

Submissions (5):

PreventionGenetics, part of Exact Sciences
Classification: Uncertain significance for TTBK2-related condition. Last evaluated: 2025-09-24. Review status: criteria provided, single submitter. Criteria: ACMG Guidelines, 2015. Collection method: clinical testing. Allele origin: germline.
Comment: The TTBK2 c.3484C>T variant is predicted to result in the amino acid substitution p.Arg1162Cys. To our knowledge, this variant has not been reported in the literature. This variant is reported in 0.0047% of alleles in individuals of European (Non-Finnish) descent in gnomAD. At this time, the clinical significance of this variant is uncertain due to the absence of conclusive functional and genetic evidence.

Labcorp Genetics (formerly Invitae), Labcorp
Classification: Uncertain significance. Last evaluated: 2025-09-16. Review status: criteria provided, single submitter. Criteria: Invitae Variant Classification Sherloc (09022015). Collection method: clinical testing. Allele origin: germline.
Comment: This sequence change replaces arginine, which is basic and polar, with cysteine, which is neutral and slightly polar, at codon 1162 of the TTBK2 protein (p.Arg1162Cys). This variant is present in population databases (rs200437800, gnomAD 0.006%). This variant has not been reported in the literature in individuals affected with TTBK2-related conditions. ClinVar contains an entry for this variant (Variation ID: 886271). An algorithm developed to predict the effect of missense changes on protein structure and function (PolyPhen-2) suggests that this variant is likely to be disruptive. In summary, the available evidence is currently insufficient to determine the role of this variant in disease. Therefore, it has been classified as a Variant of Uncertain Significance.

Ambry Genetics
Classification: Uncertain significance for Inborn genetic diseases. Last evaluated: 2025-09-11. Review status: criteria provided, single submitter. Criteria: Ambry Variant Classification Scheme 2023. Collection method: clinical testing. Allele origin: germline.

Athena Diagnostics
Classification: Uncertain significance. Last evaluated: 2021-06-09. Review status: criteria provided, single submitter. Criteria: Athena Diagnostics Criteria. Collection method: clinical testing. Allele origin: unknown.

Illumina Laboratory Services, Illumina
Classification: Uncertain significance for Spinocerebellar ataxia type 11. Last evaluated: 2018-01-13. Review status: criteria provided, single submitter. Criteria: ICSL Variant Classification Criteria 13 December 2019. Collection method: clinical testing. Allele origin: germline.